The following is an entry in ClinVar:

NM_001035.3(RYR2):c.3098T>C (p.Val1033Ala)

Gene: RYR2 (ryanodine receptor 2; plus strand). Cytogenetic location: 1q43.
Variant type: single nucleotide variant.
Coding change: c.3098T>C on transcript NM_001035.3 (MANE Select); coding-DNA position 3098, T replaced by C.
Protein change: p.Val1033Ala; replaces valine 1033 with alanine.
Molecular consequence: missense variant.
Genome position (GRCh38, 1-based): chr1:237,550,575, T>C. VCF-style: chr1-237550575-T-C. GRCh37 (hg19) VCF-style: chr1-237713875-T-C.
Other names: p.Val1033Ala; short protein forms V1033A.
Identifiers: ClinVar variation 4542516 (VCV004542516.1).

ClinVar aggregate classification (germline): Uncertain significance (1 of 4 stars; one submission).

Submission:

Mayo Clinic Laboratories, Mayo Clinic
Classification: Uncertain significance. Last evaluated: 2025-09-22. Review status: criteria provided, single submitter. Criteria: ACMG Guidelines, 2015. Collection method: clinical testing. Allele origin: germline. Observed: 1 variant allele.
Comment: PP3_moderate, PM2_supporting